The following is an entry in ClinVar:

NM_002691.4(POLD1):c.1003A>G (p.Ile335Val)

Gene: POLD1 (DNA polymerase delta 1, catalytic subunit; plus strand). Cytogenetic location: 19q13.33.
Variant type: single nucleotide variant.
Coding change: c.1003A>G on transcript NM_002691.4 (MANE Select); coding-DNA position 1003, A replaced by G.
Protein change: p.Ile335Val; replaces isoleucine 335 with valine.
Molecular consequence: missense variant. On other transcripts: non-coding transcript variant (1).
Genome position (GRCh38, 1-based): chr19:50,403,085, A>G. VCF-style: chr19-50403085-A-G. GRCh37 (hg19) VCF-style: chr19-50906342-A-G.
Other names: c.1003A>G, p.Ile335Val (NM_001256849.1, NM_001308632.1); c.1003A>G (NM_002691.2); short protein forms I335V.
Identifiers: ClinVar variation 835854 (VCV000835854.10), dbSNP rs2038722953, ClinGen allele CA406977910.

ClinVar aggregate classification (germline): Uncertain significance. Review status: criteria provided, multiple submitters, no conflicts (2 of 4 stars). 2 submissions from 2 submitters: Uncertain significance (2). Last evaluated 2025-11-27.

Conditions:
Hereditary cancer-predisposing syndrome. Also called: Tumor predisposition; Hereditary Cancer Syndrome; Hereditary neoplastic syndrome; Neoplastic Syndromes, Hereditary. Identifiers: Orphanet 140162, MedGen C0027672, MeSH D009386, MONDO:0015356.
POLD1-related polyposis and colorectal cancer syndrome (CRCS10). Also called: Colorectal cancer 10; COLORECTAL CANCER, SUSCEPTIBILITY TO, ON CHROMOSOME 19q; Colorectal cancer, susceptibility to, 10. Identifiers: Orphanet 220460, MedGen C2675481, MONDO:0012953, OMIM 612591.

Submissions (2):

Labcorp Genetics (formerly Invitae), Labcorp
Classification: Uncertain significance for POLD1-related polyposis and colorectal cancer syndrome. Last evaluated: 2025-11-27. Review status: criteria provided, single submitter. Criteria: Invitae Variant Classification Sherloc (09022015). Collection method: clinical testing. Allele origin: germline.
Comment: This sequence change replaces isoleucine, which is neutral and non-polar, with valine, which is neutral and non-polar, at codon 335 of the POLD1 protein (p.Ile335Val). This variant is not present in population databases (gnomAD no frequency). This variant has not been reported in the literature in individuals affected with POLD1-related conditions. ClinVar contains an entry for this variant (Variation ID: 835854). Invitae Evidence Modeling of protein sequence and biophysical properties (such as structural, functional, and spatial information, amino acid conservation, physicochemical variation, residue mobility, and thermodynamic stability) indicates that this missense variant is not expected to disrupt POLD1 protein function with a negative predictive value of 80%. In summary, the available evidence is currently insufficient to determine the role of this variant in disease. Therefore, it has been classified as a Variant of Uncertain Significance.

Ambry Genetics
Classification: Uncertain significance for Hereditary cancer-predisposing syndrome. Last evaluated: 2021-04-28. Review status: criteria provided, single submitter. Criteria: Ambry Variant Classification Scheme 2023. Collection method: clinical testing. Allele origin: germline.